The following is an entry in ClinVar:

NM_000238.4(KCNH2):c.1025A>T (p.Asp342Val)

Gene: KCNH2 (potassium voltage-gated channel subfamily H member 2; minus strand). Cytogenetic location: 7q36.1.
Variant type: single nucleotide variant.
Coding change: c.1025A>T on transcript NM_000238.4 (MANE Select); coding-DNA position 1025, A replaced by T.
Protein change: p.Asp342Val; replaces aspartic acid 342 with valine.
Molecular consequence: missense variant.
Genome position (GRCh38, 1-based): chr7:150,957,394, T>A on the plus strand (A>T on the coding strand, the complement: KCNH2 is on the minus strand). VCF-style: chr7-150957394-T-A. GRCh37 (hg19) VCF-style: chr7-150654482-T-A.
Other names: c.737A>T, p.Asp246Val (NM_001406753.1, NM_001406756.1); c.848A>T, p.Asp283Val (NM_001406755.1); c.725A>T, p.Asp242Val (NM_001406757.1); c.1025A>T (LRG_288t1); c.1025A>T, p.Asp342Val (NM_172056.3); short protein forms D342V, D242V, D283V, D246V.
Identifiers: ClinVar variation 67162 (VCV000067162.3), dbSNP rs199472889, ClinGen allele CA004177.
Genomic context (GRCh38, chr7:150,957,394, plus strand): 5'-TTAGGTGCTATGATCTCACGGTCACTGGTGGGCGAAGCCAAGAAGGGGTCGCCCTTGAGG[T>A]CCACAAAGTTGAGGGTGATTTGGGGAATCTTGCTAATGGTGCGGTAGCGCACGAGGTCGG-3'
Protein context (NP_000229.1, residues 332-352): KIPQITLNFV[Asp342Val]LKGDPFLASP

ClinVar aggregate classification (germline): not provided (0 of 4 stars; one submission).

Conditions:
Acquired long QT syndrome. Identifiers: MedGen C2732979, MONDO:1060292.

Submission:

Cardiovascular Biomedical Research Unit, Royal Brompton & Harefield NHS Foundation Trust
No classification provided. Condition: Acquired long QT syndrome. Review status: no classification provided. Collection method: literature only. Allele origin: germline.
Comment: This variant has been reported as associated with acquired long QT syndrome in the following publications (PMID:19843919). This is a literature report, and does not necessarily reflect the clinical interpretation of the Imperial College / Royal Brompton Cardiovascular Genetics laboratory.

Literature cited by the submitters: PubMed 19843919; PubMed 22581653.